The following is an entry in ClinVar:

ClinVar aggregate classification (germline): Uncertain significance (1 of 4 stars; one submission).

Submission:

Women's Health and Genetics/Laboratory Corporation of America, LabCorp
Classification: Uncertain significance. Last evaluated: 2025-09-23. Review status: criteria provided, single submitter. Criteria: LabCorp Variant Classification Summary - May 2015. Collection method: clinical testing. Allele origin: germline.
Comment: Variant summary: The variant involves the duplication of exons 1-7 in the PNPT1 gene. The exact breakpoint at the 5' end of this variant is unknown, therefore this duplication may extend upstream of the annotated region of this gene. It is predicted to duplicate a segment including the initiation codon, therefore its impact on the encoded protein is unknown. A presumed nomenclature of c.(?_-22)_(565+1_566-1)dup has been designated for the purposes of this classification. The variant was absent in 21680 control chromosomes. The available data on variant occurrences in the general population are insufficient to allow any conclusion about variant significance. To our knowledge, no occurrence of c.(?_-22)_(565+1_566-1)dup in individuals affected with PNPT1-related conditions and no experimental evidence demonstrating its impact on protein function have been reported. No submitters have cited clinical-significance assessments for this variant to ClinVar. Based on the evidence outlined above, the variant was classified as uncertain significance.

NC_000002.11:g.(55906931_55907846)_(55920980_?)dup

Gene: PNPT1 (polyribonucleotide nucleotidyltransferase 1; minus strand). Cytogenetic location: 2p16.1.
Variant type: Duplication.
Identifiers: ClinVar variation 4536028 (VCV004536028.1).